The following is an entry in ClinVar:

NM_006231.4(POLE):c.1339A>C (p.Met447Leu)

Gene: POLE (DNA polymerase epsilon, catalytic subunit; minus strand). Cytogenetic location: 12q24.33.
Variant type: single nucleotide variant.
Coding change: c.1339A>C on transcript NM_006231.4 (MANE Select); coding-DNA position 1339, A replaced by C.
Protein change: p.Met447Leu; replaces methionine 447 with leucine.
Molecular consequence: missense variant.
Genome position (GRCh38, 1-based): chr12:132,673,595, T>G on the plus strand (A>C on the coding strand, the complement: POLE is on the minus strand). VCF-style: chr12-132673595-T-G. GRCh37 (hg19) VCF-style: chr12-133250181-T-G.
Other names: short protein forms M447L.
Identifiers: ClinVar variation 473451 (VCV000473451.17), dbSNP rs376095661, ClinGen allele CA246294577.
Genomic context (GRCh38, chr12:132,673,595, plus strand): 5'-GCACACGGCAGCAGGGGCAGCCGGGATGTGGCTTACGTGCCTGGGGCTGCTCCGTGGCCA[T>G]CCGGCACATGTCCTCCGGGTCTAGCTCCACGGGATCATAGCCTAGCTTGGCCTTGGCGGC-3'
Protein context (NP_006222.2, residues 437-457): VELDPEDMCR[Met447Leu]ATEQPQTLAT

ClinVar aggregate classification (germline): Uncertain significance. Review status: criteria provided, multiple submitters, no conflicts (2 of 4 stars). 4 submissions from 4 submitters: Uncertain significance (4). Last evaluated 2026-01-09.

Conditions:
Hereditary cancer-predisposing syndrome. Also called: Neoplastic Syndromes, Hereditary; Tumor predisposition; Hereditary neoplastic syndrome; Hereditary Cancer Syndrome. Identifiers: Orphanet 140162, MedGen C0027672, MeSH D009386, MONDO:0015356.
Colorectal cancer, susceptibility to, 12 (CRCS12). Also called: COLORECTAL CANCER, SUSCEPTIBILITY TO, ON CHROMOSOME 12q24. Identifiers: Orphanet 220460, MedGen C3554460, MONDO:0014038, OMIM 615083.

Allele frequency attached by ClinVar (database versions not stated): gnomAD exomes below 0.00001; ESP Exome Variant Server 0.00008.
gnomAD v4.1: 9 of 1,613,074 alleles (0.00056%); highest among the groups gnomAD compares: Non-Finnish European, 0.00076%; no homozygotes.

Submissions (4):

Ambry Genetics
Classification: Uncertain significance for Hereditary cancer-predisposing syndrome. Last evaluated: 2026-01-09. Review status: criteria provided, single submitter. Criteria: Ambry Variant Classification Scheme 2023. Collection method: clinical testing. Allele origin: germline.
Comment: The p.M447L variant (also known as c.1339A>C), located in coding exon 13 of the POLE gene, results from an A to C substitution at nucleotide position 1339. The methionine at codon 447 is replaced by leucine, an amino acid with highly similar properties. This amino acid position is highly conserved in available vertebrate species. In addition, this alteration is predicted to be tolerated by in silico analysis. Based on the available evidence, the clinical significance of this variant remains unclear.

Labcorp Genetics (formerly Invitae), Labcorp
Classification: Uncertain significance. Last evaluated: 2025-11-10. Review status: criteria provided, single submitter. Criteria: Invitae Variant Classification Sherloc (09022015). Collection method: clinical testing. Allele origin: germline.
Comment: This sequence change replaces methionine, which is neutral and non-polar, with leucine, which is neutral and non-polar, at codon 447 of the POLE protein (p.Met447Leu). This variant is present in population databases (rs376095661, gnomAD 0.0009%). This variant has not been reported in the literature in individuals affected with POLE-related conditions. ClinVar contains an entry for this variant (Variation ID: 473451). Invitae Evidence Modeling of protein sequence and biophysical properties (such as structural, functional, and spatial information, amino acid conservation, physicochemical variation, residue mobility, and thermodynamic stability) indicates that this missense variant is not expected to disrupt POLE protein function with a negative predictive value of 80%. In summary, the available evidence is currently insufficient to determine the role of this variant in disease. Therefore, it has been classified as a Variant of Uncertain Significance.

GeneDx
Classification: Uncertain significance. Last evaluated: 2024-10-03. Review status: criteria provided, single submitter. Criteria: GeneDx Variant Classification Process June 2021. Collection method: clinical testing. Allele origin: germline. Affected: yes.
Comment: Not observed at significant frequency in large population cohorts (gnomAD); In silico analysis indicates that this missense variant does not alter protein structure/function; Has not been previously published as pathogenic or benign to our knowledge; This variant is associated with the following publications: (PMID: 26251183)

Baylor Genetics
Classification: Uncertain significance for Colorectal cancer, susceptibility to, 12. Last evaluated: 2023-11-14. Review status: criteria provided, single submitter. Criteria: ACMG Guidelines, 2015. Collection method: clinical testing. Allele origin: unknown.